The following is an entry in ClinVar:

ClinVar aggregate classification (germline): Uncertain significance. Review status: criteria provided, multiple submitters, no conflicts (2 of 4 stars). 2 submissions from 2 submitters: Uncertain significance (2). Last evaluated 2025-11-03.

Conditions:
Inborn genetic diseases. Identifiers: MedGen C0950123, MeSH D030342.

Allele frequency attached by ClinVar (database versions not stated): gnomAD exomes below 0.00001.
gnomAD v4.1: 4 of 1,613,486 alleles (0.00025%); highest among the groups gnomAD compares: South Asian, 0.0022%; no homozygotes.

Submissions (2):

Labcorp Genetics (formerly Invitae), Labcorp
Classification: Uncertain significance. Last evaluated: 2025-11-03. Review status: criteria provided, single submitter. Criteria: Invitae Variant Classification Sherloc (09022015). Collection method: clinical testing. Allele origin: germline.
Comment: This sequence change replaces aspartic acid, which is acidic and polar, with glycine, which is neutral and non-polar, at codon 868 of the ACTN1 protein (p.Asp868Gly). This variant is not present in population databases (gnomAD no frequency). This variant has not been reported in the literature in individuals affected with ACTN1-related conditions. ClinVar contains an entry for this variant (Variation ID: 3141762). An algorithm developed to predict the effect of missense changes on protein structure and function (PolyPhen-2) suggests that this variant is likely to be tolerated. In summary, the available evidence is currently insufficient to determine the role of this variant in disease. Therefore, it has been classified as a Variant of Uncertain Significance.

Ambry Genetics
Classification: Uncertain significance for Inborn genetic diseases. Last evaluated: 2023-12-08. Review status: criteria provided, single submitter. Criteria: Ambry Variant Classification Scheme 2023. Collection method: clinical testing. Allele origin: germline.

NM_001130004.2(ACTN1):c.2603A>G (p.Asp868Gly)

Gene: ACTN1 (actinin alpha 1; minus strand). Cytogenetic location: 14q24.1.
Variant type: single nucleotide variant.
Coding change: c.2603A>G on transcript NM_001130004.2 (MANE Select); coding-DNA position 2603, A replaced by G.
Protein change: p.Asp868Gly; replaces aspartic acid 868 with glycine.
Molecular consequence: missense variant.
Genome position (GRCh38, 1-based): chr14:68,875,001, T>C on the plus strand (A>G on the coding strand, the complement: ACTN1 is on the minus strand). VCF-style: chr14-68875001-T-C. GRCh37 (hg19) VCF-style: chr14-69341718-T-C.
Other names: c.2537A>G, p.Asp846Gly (NM_001102.4); c.2522A>G, p.Asp841Gly (NM_001130005.2); c.2546A>G, p.Asp849Gly (NM_001411035.1); c.2342A>G, p.Asp781Gly (NM_001411036.1, NM_001424026.1); c.2666A>G, p.Asp889Gly (NM_001424012.1); c.2663A>G, p.Asp888Gly (NM_001424013.1); c.2651A>G, p.Asp884Gly (NM_001424014.1); c.2624A>G, p.Asp875Gly (NM_001424015.1); and 14 more; short protein forms D781G, D828G, D833G, D849G, D875G, D571G, D758G, D780G.
Identifiers: ClinVar variation 3141762 (VCV003141762.2), dbSNP rs2503041142, ClinGen allele CA390179264.
Genomic context (GRCh38, chr14:68,875,001, plus strand): 5'-GGGGCCATCCGCGCGATGCAGTACTCAGCCTGGTCGGGTGGCAGCTCGCGGCGCAGCTCG[T>C]CCATGGTAATGTAGTTCTGCGAGGAGAGAGTGGTCAGGAAGGCCGCAAAGTCCAGCAGCC-3'
Protein context (NP_001123476.1, residues 858-878): LAGDKNYITM[Asp868Gly]ELRRELPPDQ